The following is an entry in ClinVar:

NM_000257.4(MYH7):c.1139-4C>T

Gene: MYH7 (myosin heavy chain 7; minus strand). Cytogenetic location: 14q11.2.
Variant type: single nucleotide variant.
Coding change: c.1139-4C>T on transcript NM_000257.4 (MANE Select); 4 bases into the intron before coding-DNA position 1139, C replaced by T.
Molecular consequence: intron variant.
Genome position (GRCh38, 1-based): chr14:23,429,351, G>A on the plus strand (C>T on the coding strand, the complement: MYH7 is on the minus strand). VCF-style: chr14-23429351-G-A. GRCh37 (hg19) VCF-style: chr14-23898560-G-A.
Other names: c.1139-4C>T (LRG_384t1).
Identifiers: ClinVar variation 312914 (VCV000312914.19), dbSNP rs886050422, ClinGen allele CA10645061.

ClinVar aggregate classification (germline): Conflicting classifications of pathogenicity. Review status: criteria provided, conflicting classifications (1 of 4 stars). 8 submissions from 5 submitters: Uncertain significance (4); Likely benign (4). Last evaluated 2026-01-13.

Conditions:
Cardiovascular phenotype. Identifiers: MedGen CN230736.
Cardiomyopathy (CMYO). Also called: Cardiomyopathies. Identifiers: Orphanet 167848, MedGen C0878544, MONDO:0004994, HP:0001638. Inheritance: Various modes of inheritance.
Hypertrophic cardiomyopathy 1 (CMH1). Also called: Familial hypertrophic cardiomyopathy 1; MYH7-Related Familial Hypertrophic Cardiomyopathy. Identifiers: MedGen C3495498, MONDO:0008647, OMIM 192600.
MYH7-related skeletal myopathy. Also called: Myopathy, distal, 1; MYOPATHY, DISTAL, EARLY-ONSET, AUTOSOMAL DOMINANT; MYOPATHY, LATE DISTAL HEREDITARY; Laing distal myopathy; Laing early-onset distal myopathy. Identifiers: Orphanet 59135, MedGen C4552004, MONDO:0008050, OMIM 160500.
Dilated cardiomyopathy 1S (CMD1S). Identifiers: Orphanet 154, Orphanet 54260, MedGen C1834481, MONDO:0013262, OMIM 613426.
Myosin storage myopathy (CMYO7A). Also called: MYOPATHY, HYALINE BODY, AUTOSOMAL DOMINANT; Scapuloperoneal myopathy, MYH7-related; MYOPATHY WITH LYSIS OF TYPE I MYOFIBRILS; SCAPULOPERONEAL MUSCULAR DYSTROPHY; SCAPULOPERONEAL SYNDROME, MYOPATHIC TYPE; MYH7-related late-onset scapuloperoneal muscular dystrophy. Identifiers: Orphanet 437572, Orphanet 636965, MedGen C1842160, MONDO:0008409, OMIM 608358.
Hypertrophic cardiomyopathy. Also called: HYPERTROPHIC MYOCARDIOPATHY. Identifiers: Orphanet 217569, MedGen C0007194, MeSH D002312, MONDO:0005045, HP:0001639.

Allele frequency attached by ClinVar (database versions not stated): gnomAD exomes below 0.00001 and 0.00001.
gnomAD v4.1: 3 of 1,613,342 alleles (0.00019%); highest among the groups gnomAD compares: South Asian, 0.0011%; no homozygotes.

Submissions (8):

Labcorp Genetics (formerly Invitae), Labcorp
Classification: Likely benign for Hypertrophic cardiomyopathy. Last evaluated: 2026-01-13. Review status: criteria provided, single submitter. Criteria: Invitae Variant Classification Sherloc (09022015). Collection method: clinical testing. Allele origin: germline.

Ambry Genetics
Classification: Likely benign for Cardiovascular phenotype. Last evaluated: 2024-12-26. Review status: criteria provided, single submitter. Criteria: Ambry Variant Classification Scheme 2023. Collection method: clinical testing. Allele origin: germline.

All of Us Research Program, National Institutes of Health
Classification: Likely benign for Cardiomyopathy. Last evaluated: 2024-04-16. Review status: criteria provided, single submitter. Criteria: ACMG Guidelines, 2015. Collection method: clinical testing. Allele origin: germline. Inheritance: Autosomal dominant inheritance. Observed: 3 variant alleles, 3 heterozygotes.
Comment: This study involves interpretation of variants in research participants for the purpose of population health screening. Participant phenotype was not available at the time of variant classification. Additional details can be found in publication PMID: 35346344, PMCID: PMC8962531

Color Diagnostics, LLC DBA Color Health
Classification: Likely benign for Cardiomyopathy. Last evaluated: 2019-07-02. Review status: criteria provided, single submitter. Criteria: ACMG Guidelines, 2015. Collection method: clinical testing. Allele origin: germline.

Illumina Laboratory Services, Illumina
Classification: Uncertain significance for Hypertrophic cardiomyopathy 1. Last evaluated: 2018-01-13. Review status: criteria provided, single submitter. Criteria: ICSL Variant Classification Criteria 13 December 2019. Collection method: clinical testing. Allele origin: germline.

Illumina Laboratory Services, Illumina
Classification: Uncertain significance for Myosin storage myopathy. Last evaluated: 2018-01-13. Review status: criteria provided, single submitter. Criteria: ICSL Variant Classification Criteria 13 December 2019. Collection method: clinical testing. Allele origin: germline.

Illumina Laboratory Services, Illumina
Classification: Uncertain significance for Dilated cardiomyopathy 1S. Last evaluated: 2018-01-13. Review status: criteria provided, single submitter. Criteria: ICSL Variant Classification Criteria 13 December 2019. Collection method: clinical testing. Allele origin: germline.

Illumina Laboratory Services, Illumina
Classification: Uncertain significance for MYH7-related skeletal myopathy. Last evaluated: 2018-01-13. Review status: criteria provided, single submitter. Criteria: ICSL Variant Classification Criteria 13 December 2019. Collection method: clinical testing. Allele origin: germline.